The following is an entry in ClinVar:

ClinVar aggregate classification (germline): Uncertain significance. Review status: criteria provided, multiple submitters, no conflicts (2 of 4 stars). 7 submissions from 7 submitters: Uncertain significance (7). Last evaluated 2025-01-13.

Conditions:
Chédiak-Higashi syndrome (CHS). Also called: Chediak-Higashi Syndrome. Identifiers: Orphanet 167, MedGen C0007965, MONDO:0008963, OMIM 214500.

Allele frequency attached by ClinVar (database versions not stated): TOPMed 0.00005; gnomAD 0.00006; ExAC 0.00008; gnomAD exomes 0.00010; 1000 Genomes Project 30x 0.00016.

Submissions (7):

Labcorp Genetics (formerly Invitae), Labcorp
Classification: Uncertain significance for Chédiak-Higashi syndrome. Last evaluated: 2025-01-13. Review status: criteria provided, single submitter. Criteria: Invitae Variant Classification Sherloc (09022015). Collection method: clinical testing. Allele origin: germline.
Comment: This sequence change replaces alanine, which is neutral and non-polar, with valine, which is neutral and non-polar, at codon 1422 of the LYST protein (p.Ala1422Val). This variant is present in population databases (rs200691096, gnomAD 0.01%). This variant has not been reported in the literature in individuals affected with LYST-related conditions. ClinVar contains an entry for this variant (Variation ID: 972223). Invitae Evidence Modeling of protein sequence and biophysical properties (such as structural, functional, and spatial information, amino acid conservation, physicochemical variation, residue mobility, and thermodynamic stability) indicates that this missense variant is not expected to disrupt LYST protein function with a negative predictive value of 80%. In summary, the available evidence is currently insufficient to determine the role of this variant in disease. Therefore, it has been classified as a Variant of Uncertain Significance.

Blueprint Genetics
Classification: Uncertain significance. Last evaluated: 2024-11-14. Review status: criteria provided, single submitter. Criteria: ACMG Guidelines, 2015. Collection method: clinical testing. Allele origin: germline.

Mayo Clinic Laboratories, Mayo Clinic
Classification: Uncertain significance. Last evaluated: 2024-05-13. Review status: criteria provided, single submitter. Criteria: ACMG Guidelines, 2015. Collection method: clinical testing. Allele origin: germline. Observed: 1 variant allele.
Comment: BP4, PM2

GeneDx
Classification: Uncertain significance. Last evaluated: 2024-02-07. Review status: criteria provided, single submitter. Criteria: GeneDx Variant Classification Process June 2021. Collection method: clinical testing. Allele origin: germline. Affected: yes.
Comment: Not observed at significant frequency in large population cohorts (gnomAD); In silico analysis supports that this missense variant does not alter protein structure/function; Has not been previously published as pathogenic or benign to our knowledge

Fulgent Genetics
Classification: Uncertain significance for Chédiak-Higashi syndrome. Last evaluated: 2021-07-12. Review status: criteria provided, single submitter. Criteria: ACMG Guidelines, 2015. Collection method: clinical testing. Allele origin: unknown.

Baylor Genetics
Classification: Uncertain significance for Chédiak-Higashi syndrome. Last evaluated: 2020-05-19. Review status: criteria provided, single submitter. Criteria: ACMG Guidelines, 2015. Collection method: clinical testing. Allele origin: unknown. Affected: yes.
Comment: This variant was determined to be of uncertain significance according to ACMG Guidelines, 2015 [PMID:25741868].

Revvity Omics, Revvity
Classification: Uncertain significance for Chédiak-Higashi syndrome. Last evaluated: 2019-05-13. Review status: criteria provided, single submitter. Criteria: ACMG Guidelines, 2015. Collection method: clinical testing. Allele origin: germline.

NM_000081.4(LYST):c.4265C>T (p.Ala1422Val)

Gene: LYST (lysosomal trafficking regulator; minus strand). Cytogenetic location: 1q42.3.
Variant type: single nucleotide variant.
Coding change: c.4265C>T on transcript NM_000081.4 (MANE Select); coding-DNA position 4265, C replaced by T.
Protein change: p.Ala1422Val; replaces alanine 1422 with valine.
Molecular consequence: missense variant.
Genome position (GRCh38, 1-based): chr1:235,791,977, G>A on the plus strand (C>T on the coding strand, the complement: LYST is on the minus strand). VCF-style: chr1-235791977-G-A. GRCh37 (hg19) VCF-style: chr1-235955277-G-A.
Other names: p.Ala1422Val; c.4265C>T (NM_000081.2); c.4265C>T, p.Ala1422Val (NM_001301365.1); short protein forms A1422V.
Identifiers: ClinVar variation 972223 (VCV000972223.14), dbSNP rs200691096, ClinGen allele CA1466886.